The following is an entry in ClinVar:

NM_006031.6(PCNT):c.91dup (p.Ser31fs)

Genes: PCNT (pericentrin; plus strand), LOC128092249 (uncharacterized LOC128092249; plus strand). Cytogenetic location: 21q22.3.
Variant type: Duplication.
Coding change: c.91dup on transcript NM_006031.6 (MANE Select); coding-DNA position 91, one base duplicated (A; older notation c.91dupA).
Protein change: p.Ser31fs; shifts the reading frame from serine 31.
Molecular consequence: frameshift variant. On other transcripts: 5 prime UTR variant (1).
Genome position (GRCh38, 1-based): chr21:46,326,413, A duplicated. VCF-style (leftmost placement, unchanged base first): chr21-46326412-C-CA. GRCh37 (hg19) VCF-style: chr21-47746326-C-CA.
Other names: c.126dup, p.Val43fs (NM_001414902.1); c.-264dup (NM_001315529.2); short protein forms S31fs, V43fs.
Identifiers: ClinVar variation 3346949 (VCV003346949.1).

ClinVar aggregate classification (germline): Likely pathogenic (0 of 4 stars; one submission).

Conditions:
PCNT-related disorder. Also called: PCNT-related condition.

Submission:

PreventionGenetics, part of Exact Sciences
Classification: Likely pathogenic for PCNT-related condition. Last evaluated: 2024-09-20. Review status: no assertion criteria provided. Collection method: clinical testing. Allele origin: germline.
Comment: The PCNT c.91dupA variant is predicted to result in a frameshift and premature protein termination (p.Ser31Lysfs*46). To our knowledge, this variant has not been reported in the literature. This variant is reported in 0.00088% of alleles in individuals of European (Non-Finnish) descent in gnomAD. Frameshift variants in PCNT are expected to be pathogenic. This variant is interpreted as likely pathogenic.